The following is an entry in ClinVar:

ClinVar aggregate classification (germline): Uncertain significance. Review status: criteria provided, multiple submitters, no conflicts (2 of 4 stars). 2 submissions from 2 submitters: Uncertain significance (2). Last evaluated 2025-05-11.

Conditions:
Charcot-Marie-Tooth disease type 2. Also called: Charcot-Marie-Tooth type 2. Identifiers: Orphanet 64746, MedGen C0270914, MONDO:0018993.
Inborn genetic diseases. Identifiers: MedGen C0950123, MeSH D030342.

Allele frequency attached by ClinVar (database versions not stated): gnomAD 0.00001.
gnomAD v4.1: 2 of 1,613,798 alleles (0.00012%); highest among the groups gnomAD compares: Non-Finnish European, 0.000085%; no homozygotes.

Submissions (2):

Labcorp Genetics (formerly Invitae), Labcorp
Classification: Uncertain significance for Charcot-Marie-Tooth disease type 2. Last evaluated: 2025-05-11. Review status: criteria provided, single submitter. Criteria: Invitae Variant Classification Sherloc (09022015). Collection method: clinical testing. Allele origin: germline.
Comment: This sequence change falls in intron 4 of the AARS gene. It does not directly change the encoded amino acid sequence of the AARS protein. It affects a nucleotide within the consensus splice site. This variant is not present in population databases (gnomAD no frequency). This variant has not been reported in the literature in individuals affected with AARS-related conditions. ClinVar contains an entry for this variant (Variation ID: 1682308). Variants that disrupt the consensus splice site are a relatively common cause of aberrant splicing (PMID: 17576681, 9536098). Algorithms developed to predict the effect of sequence changes on RNA splicing suggest that this variant may disrupt the consensus splice site. In summary, the available evidence is currently insufficient to determine the role of this variant in disease. Therefore, it has been classified as a Variant of Uncertain Significance.

Ambry Genetics
Classification: Uncertain significance for Inborn genetic diseases. Last evaluated: 2023-05-22. Review status: criteria provided, single submitter. Criteria: Ambry Variant Classification Scheme 2023. Collection method: clinical testing. Allele origin: germline.
Comment: The c.479+5G>T intronic alteration consists of a G to T substitution 5 nucleotides after exon 4 (coding exon 3) in the AARS gene. Based on insufficient or conflicting evidence, the clinical significance of this alteration remains unclear.

Literature cited by the submitters: PubMed 17576681 (cited by Labcorp Genetics (formerly Invitae), Labcorp); PubMed 9536098 (cited by Labcorp Genetics (formerly Invitae), Labcorp).

NM_001605.3(AARS1):c.479+5G>T

Gene: AARS1 (alanyl-tRNA synthetase 1; minus strand). Cytogenetic location: 16q22.1.
Variant type: single nucleotide variant.
Coding change: c.479+5G>T on transcript NM_001605.3 (MANE Select); 5 bases into the intron after coding-DNA position 479, G replaced by T.
Molecular consequence: intron variant.
Genome position (GRCh38, 1-based): chr16:70,276,481, C>A on the plus strand (G>T on the coding strand, the complement: AARS1 is on the minus strand). VCF-style: chr16-70276481-C-A. GRCh37 (hg19) VCF-style: chr16-70310384-C-A.
Other names: c.479+5G>T (NM_001605.2).
Identifiers: ClinVar variation 1682308 (VCV001682308.8), dbSNP rs1487772006, ClinGen allele CA978663736.